The following is an entry in ClinVar:

NM_006218.4(PIK3CA):c.2365A>T (p.Met789Leu)

Gene: PIK3CA (phosphatidylinositol-4,5-bisphosphate 3-kinase catalytic subunit alpha; plus strand). Cytogenetic location: 3q26.32.
Variant type: single nucleotide variant.
Coding change: c.2365A>T on transcript NM_006218.4 (MANE Select); coding-DNA position 2365, A replaced by T.
Protein change: p.Met789Leu; replaces methionine 789 with leucine.
Molecular consequence: missense variant.
Genome position (GRCh38, 1-based): chr3:179,224,770, A>T. VCF-style: chr3-179224770-A-T. GRCh37 (hg19) VCF-style: chr3-178942558-A-T.
Other names: short protein forms M789L.
Identifiers: ClinVar variation 4627637 (VCV004627637.1).

ClinVar aggregate classification (germline): Uncertain significance (1 of 4 stars; one submission).

Conditions:
Inborn genetic diseases. Identifiers: MedGen C0950123, MeSH D030342.

Submission:

Ambry Genetics
Classification: Uncertain significance for Inborn genetic diseases. Last evaluated: 2025-11-26. Review status: criteria provided, single submitter. Criteria: Ambry Variant Classification Scheme 2023. Collection method: clinical testing. Allele origin: germline.
Comment: The p.M789L variant (also known as c.2365A>T), located in coding exon 15 of the PIK3CA gene, results from an A to T substitution at nucleotide position 2365. The methionine at codon 789 is replaced by leucine, an amino acid with highly similar properties. This amino acid position is conserved. In addition, the in silico prediction for this alteration is inconclusive. Based on the available evidence, the clinical significance of this variant remains unclear.